The following is an entry in ClinVar:

NM_002579.3(PALM):c.256G>T (p.Asp86Tyr)

Gene: PALM (paralemmin; plus strand). Cytogenetic location: 19p13.3.
Variant type: single nucleotide variant.
Coding change: c.256G>T on transcript NM_002579.3 (MANE Select); coding-DNA position 256, G replaced by T.
Protein change: p.Asp86Tyr; replaces aspartic acid 86 with tyrosine.
Molecular consequence: missense variant.
Genome position (GRCh38, 1-based): chr19:727,681, G>T. VCF-style: chr19-727681-G-T. GRCh37 (hg19) VCF-style: chr19-727681-G-T.
Other names: c.256G>T (NM_002579.2); c.256G>T, p.Asp86Tyr (NM_001040134.2); short protein forms D86Y.
Identifiers: ClinVar variation 2174519 (VCV002174519.5), dbSNP rs941199731, ClinGen allele CA303933891.

ClinVar aggregate classification (germline): Uncertain significance. Review status: criteria provided, multiple submitters, no conflicts (2 of 4 stars). 2 submissions from 2 submitters: Uncertain significance (2). Last evaluated 2026-01-23.

Allele frequency attached by ClinVar (database versions not stated): gnomAD 0.00002; gnomAD exomes 0.00003; TOPMed 0.00007.

Submissions (2):

Labcorp Genetics (formerly Invitae), Labcorp
Classification: Uncertain significance. Last evaluated: 2026-01-23. Review status: criteria provided, single submitter. Criteria: Invitae Variant Classification Sherloc (09022015). Collection method: clinical testing. Allele origin: germline.
Comment: This sequence change replaces aspartic acid, which is acidic and polar, with tyrosine, which is neutral and polar, at codon 86 of the PALM protein (p.Asp86Tyr). This variant is present in population databases (no rsID available, gnomAD 0.05%). This variant has not been reported in the literature in individuals affected with PALM-related conditions. ClinVar contains an entry for this variant (Variation ID: 2174519). An algorithm developed to predict the effect of missense changes on protein structure and function (PolyPhen-2) suggests that this variant is likely to be disruptive. In summary, the available evidence is currently insufficient to determine the role of this variant in disease. Therefore, it has been classified as a Variant of Uncertain Significance.

Ambry Genetics
Classification: Uncertain significance. Last evaluated: 2021-09-17. Review status: criteria provided, single submitter. Criteria: Ambry Variant Classification Scheme 2023. Collection method: clinical testing. Allele origin: germline.